The following is an entry in ClinVar:

ClinVar aggregate classification (germline): Uncertain significance (1 of 4 stars; one submission).

Conditions:
Hereditary hyperferritinemia with congenital cataracts. Also called: HYPERFERRITINEMIA WITH OR WITHOUT CATARACT; Hereditary hyperferritinemia cataract syndrome; Bonneau-Beaumont syndrome. Identifiers: Orphanet 163, MedGen C1833213, MONDO:0010952, OMIM 600886.
Neuroferritinopathy (NBIA3). Also called: NEURODEGENERATION WITH BRAIN IRON ACCUMULATION 3; BASAL GANGLIA DISEASE, ADULT-ONSET. Identifiers: Orphanet 157846, MedGen C1853578, MONDO:0011638, OMIM 606159.

Submission:

Labcorp Genetics (formerly Invitae), Labcorp
Classification: Uncertain significance for Neuroferritinopathy; Hereditary hyperferritinemia with congenital cataracts. Last evaluated: 2024-10-30. Review status: criteria provided, single submitter. Criteria: Invitae Variant Classification Sherloc (09022015). Collection method: clinical testing. Allele origin: germline.
Comment: This variant occurs in a non-coding region of the FTL gene. It does not change the encoded amino acid sequence of the FTL protein. This variant is not present in population databases (gnomAD no frequency). This variant has not been reported in the literature in individuals affected with FTL-related conditions. In summary, the available evidence is currently insufficient to determine the role of this variant in disease. Therefore, it has been classified as a Variant of Uncertain Significance.

NM_000146.4(FTL):c.-125C>A

Gene: FTL (ferritin light chain; plus strand). Cytogenetic location: 19q13.33.
Variant type: single nucleotide variant.
Coding change: c.-125C>A on transcript NM_000146.4 (MANE Select); 125 bases upstream of the start codon, C replaced by A.
Molecular consequence: 5 prime UTR variant.
Genome position (GRCh38, 1-based): chr19:48,965,383, C>A. VCF-style: chr19-48965383-C-A. GRCh37 (hg19) VCF-style: chr19-49468640-C-A.
Identifiers: ClinVar variation 3748426 (VCV003748426.2).
Genomic context (GRCh38, chr19:48,965,383, plus strand): 5'-CCGCGGGTCTGTCTCTTGCTTCAACAGTGTTTGGACGGAACAGATCCGGGGACTCTCTTC[C>A]AGCCTCCGACCGCCCTCCGATTTCCTCTCCGCTTGCAACCTCCGGGACCATCTTCTCGGC-3'